The following is an entry in ClinVar:

ClinVar aggregate classification (germline): Uncertain significance (1 of 4 stars; one submission).

Conditions:
Familial adenomatous polyposis 2. Also called: MUTYH-related attenuated familial adenomatous polyposis; COLORECTAL ADENOMATOUS POLYPOSIS, AUTOSOMAL RECESSIVE; ADENOMAS, MULTIPLE COLORECTAL, AUTOSOMAL RECESSIVE; MYH-associated polyposis; MUTYH-associated polyposis; MUTYH Polyposis. Identifiers: Orphanet 220460, Orphanet 247798, MedGen C3272841, MONDO:0012041, OMIM 608456.

Submission:

Labcorp Genetics (formerly Invitae), Labcorp
Classification: Uncertain significance for Familial adenomatous polyposis 2. Last evaluated: 2022-12-29. Review status: criteria provided, single submitter. Criteria: Invitae Variant Classification Sherloc (09022015). Collection method: clinical testing. Allele origin: germline.
Comment: In summary, the available evidence is currently insufficient to determine the role of this variant in disease. Therefore, it has been classified as a Variant of Uncertain Significance. Experimental studies and prediction algorithms are not available or were not evaluated, and the functional significance of this variant is currently unknown. This variant has not been reported in the literature in individuals affected with MUTYH-related conditions. This variant is not present in population databases (gnomAD no frequency). This variant, c.412_417del, results in the deletion of 2 amino acid(s) of the MUTYH protein (p.Gln138_Gln139del), but otherwise preserves the integrity of the reading frame.

NM_001048174.2(MUTYH):c.328_333del (p.Gln110_Gln111del)

Gene: MUTYH (mutY DNA glycosylase; minus strand). Cytogenetic location: 1p34.1.
Variant type: Deletion.
Coding change: c.328_333del on transcript NM_001048174.2 (MANE Select); coding-DNA positions 328 to 333, 6 bases deleted (CAGCAG; older notation c.328_333delCAGCAG).
Protein change: p.Gln110_Gln111del.
Molecular consequence: inframe deletion. On other transcripts: non-coding transcript variant (6), intron variant (3).
Genome position (GRCh38, 1-based): chr1:45,333,142-45,333,147, CTGCTG deleted on the plus strand (CAGCAG on the coding strand, the reverse complement: MUTYH is on the minus strand); deleting any 6 consecutive bases within chr1:45,333,142-45,333,148 gives the same sequence; the c. name uses the placement nearest the transcript's 3' end. VCF-style (leftmost placement, unchanged base first): chr1-45333141-TCTGCTG-T. GRCh37 (hg19) VCF-style: chr1-45798813-TCTGCTG-T.
Other names: c.328_333del, p.Gln110_Gln111del (NM_001048171.2, NM_001048173.2, NM_001293195.2 and 6 more transcripts); c.331_336del, p.Gln111_Gln112del (NM_001048172.2, NM_001407071.1, NM_001407078.1 and 2 more transcripts); c.412_417del, p.Gln138_Gln139del (NM_001128425.2); c.373_378del, p.Gln125_Gln126del (NM_001293190.2); c.361_366del, p.Gln121_Gln122del (NM_001293191.2, NM_001407077.1); c.52_57del, p.Gln18_Gln19del (NM_001293192.2, NM_001293196.2, NM_001407091.1); c.403_408del, p.Gln135_Gln136del (NM_001407069.1, NM_012222.3); c.370_375del, p.Gln124_Gln125del (NM_001407073.1, NM_001407083.1, NM_001407085.1); and 3 more.
Identifiers: ClinVar variation 2824682 (VCV002824682.3), dbSNP rs2524225675, ClinGen allele CA2739272364.